The following is an entry in ClinVar:

ClinVar aggregate classification (germline): Uncertain significance (1 of 4 stars; one submission).

Submission:

GeneDx
Classification: Uncertain significance. Last evaluated: 2022-12-16. Review status: criteria provided, single submitter. Criteria: GeneDx Variant Classification Process June 2021. Collection method: clinical testing. Allele origin: germline. Affected: yes.
Comment: Not observed at significant frequency in large population cohorts (gnomAD); In silico analysis supports that this missense variant has a deleterious effect on protein structure/function; Has not been previously published as pathogenic or benign to our knowledge

NM_032590.5(KDM2B):c.3470C>T (p.Ser1157Leu)

Gene: KDM2B (lysine demethylase 2B; minus strand). Cytogenetic location: 12q24.31.
Variant type: single nucleotide variant.
Coding change: c.3470C>T on transcript NM_032590.5 (MANE Select); coding-DNA position 3470, C replaced by T.
Protein change: p.Ser1157Leu; replaces serine 1157 with leucine.
Molecular consequence: missense variant.
Genome position (GRCh38, 1-based): chr12:121,440,956, G>A on the plus strand (C>T on the coding strand, the complement: KDM2B is on the minus strand). VCF-style: chr12-121440956-G-A. GRCh37 (hg19) VCF-style: chr12-121878759-G-A.
Other names: c.3263C>T, p.Ser1088Leu (NM_001005366.2); short protein forms S1088L, S1157L.
Identifiers: ClinVar variation 2505682 (VCV002505682.1), dbSNP rs2547430234, ClinGen allele CA386972069.